The following is an entry in ClinVar:

ClinVar aggregate classification (germline): Uncertain significance (1 of 4 stars; one submission).

Conditions:
Congenital muscular dystrophy due to integrin alpha-7 deficiency. Also called: Congenital muscular dystrophy with integrin alpha-7 deficiency; Muscular dystrophy, congenital, due to ITGA7 deficiency; MYOPATHY, CONGENITAL, DUE TO INTEGRIN ALPHA-7 DEFICIENCY. Identifiers: Orphanet 34520, MedGen C2750786, MONDO:0013177, OMIM 613204.

Allele frequency attached by ClinVar (database versions not stated): gnomAD exomes below 0.00001; ExAC 0.00002.

Submission:

Labcorp Genetics (formerly Invitae), Labcorp
Classification: Uncertain significance for Congenital muscular dystrophy due to integrin alpha-7 deficiency. Last evaluated: 2021-12-30. Review status: criteria provided, single submitter. Criteria: Invitae Variant Classification Sherloc (09022015). Collection method: clinical testing. Allele origin: germline.
Comment: This sequence change replaces tyrosine, which is neutral and polar, with cysteine, which is neutral and slightly polar, at codon 763 of the ITGA7 protein (p.Tyr763Cys). This variant is present in population databases (rs778695833, gnomAD 0.02%). This variant has not been reported in the literature in individuals affected with ITGA7-related conditions. Algorithms developed to predict the effect of missense changes on protein structure and function are either unavailable or do not agree on the potential impact of this missense change (SIFT: "Tolerated"; PolyPhen-2: "Probably Damaging"; Align-GVGD: "Class C15"). In summary, the available evidence is currently insufficient to determine the role of this variant in disease. Therefore, it has been classified as a Variant of Uncertain Significance.

NM_002206.3(ITGA7):c.2288A>G (p.Tyr763Cys)

Genes: ITGA7 (integrin subunit alpha 7; minus strand), LOC126861535 (CDK7 strongly-dependent group 2 enhancer GRCh37_chr12:56087579-56088778; plus strand). Cytogenetic location: 12q13.2.
Variant type: single nucleotide variant.
Coding change: c.2288A>G on transcript NM_002206.3 (MANE Select); coding-DNA position 2288, A replaced by G.
Protein change: p.Tyr763Cys; replaces tyrosine 763 with cysteine.
Molecular consequence: missense variant.
Genome position (GRCh38, 1-based): chr12:55,694,512, T>C on the plus strand (A>G on the coding strand, the complement: ITGA7 is on the minus strand). VCF-style: chr12-55694512-T-C. GRCh37 (hg19) VCF-style: chr12-56088296-T-C.
Other names: c.2300A>G, p.Tyr767Cys (NM_001144996.2); c.2009A>G, p.Tyr670Cys (NM_001144997.2); c.1961A>G, p.Tyr654Cys (NM_001367993.1); c.944A>G, p.Tyr315Cys (NM_001367994.1); c.2270A>G, p.Tyr757Cys (NM_001374465.1); c.2420A>G, p.Tyr807Cys (NM_001410977.1); c.2282A>G, p.Tyr761Cys (NM_001414029.1); c.2213A>G, p.Tyr738Cys (NM_001414030.1); and 5 more; short protein forms Y315C, Y723C, Y670C, Y688C, Y763C, Y702C, Y738C, Y757C.
Identifiers: ClinVar variation 2063710 (VCV002063710.1), dbSNP rs778695833, ClinGen allele CA6615662.
Genomic context (GRCh38, chr12:55,694,512, plus strand): 5'-AGCAGCTCTACCTCCAGTTCCGTGGTCTCAATGCTGATCCCGGAGGTGCTAAGGATGAGG[T>C]AGAAGGTGACCTAGGCCAAGGGTGGAAAGAGATTAGAGTCAGGGGTGGTCTACGGGCTTA-3'
Protein context (NP_002197.2, residues 753-773): PMKRGAQVTF[Tyr763Cys]LILSTSGISI